The following is an entry in ClinVar:

ClinVar aggregate classification (germline): Pathogenic. Review status: criteria provided, multiple submitters, no conflicts (2 of 4 stars). 9 submissions from 9 submitters: Pathogenic (7). 2 of the submissions do not count toward it. Last evaluated 2025-04-17.

Conditions:
MC4R-related disorder. Also called: MC4R-related condition.
BODY MASS INDEX QUANTITATIVE TRAIT LOCUS 20 (BMIQ20). Also called: MELANOCORTIN 4 RECEPTOR DEFICIENCY; MC4R DEFICIENCY. Identifiers: MedGen C4759928, OMIM 618406.
Obesity due to melanocortin 4 receptor deficiency. Identifiers: Orphanet 71529, MedGen C4273958, MONDO:0019115.
Obesity. Also called: Obesity disorder. Identifiers: Orphanet 71529, MedGen C0028754, MeSH D009765, MONDO:0011122, HP:0001513.
Early onset severe obesity. Identifiers: MedGen C4013980.

Allele frequency attached by ClinVar (database versions not stated): TOPMed below 0.00001.

Submissions (9):

PreventionGenetics, part of Exact Sciences
Classification: Pathogenic for MC4R-related condition. Last evaluated: 2025-04-17. Review status: criteria provided, single submitter. Criteria: ACMG Guidelines, 2015. Collection method: clinical testing. Allele origin: germline.
Comment: The MC4R c.812G>A variant is predicted to result in the amino acid substitution p.Cys271Tyr. This variant has been reported in the homozygous and compound heterozygous state in two individuals with severe obesity (Internal Data, PreventionGenetics). It has also been reported in the heterozygous state in individuals with severe obesity and segregation was shown with autosomal dominant severe obesity in one family (Farooqi et al. 2003. PubMed ID: 12646665). Functional studies show no cell surface expression and no response to changes in ligand exposure (Farooqi et al. 2000. PubMed ID: 10903343; Yeo et al. 2003. PubMed ID: 12588803). Alternate missense changes at the same amino acid position (p.Cys271Arg and p.Cys271Phe) have been reported in individuals with obesity (Farooqi et al. 2003. PubMed ID: 12646665; Calton et al. 2009. PubMed ID: 19091795). This variant has not been reported in a large population database, indicating this variant is rare. This variant is interpreted as pathogenic.

Labcorp Genetics (formerly Invitae), Labcorp
Classification: Pathogenic. Last evaluated: 2025-04-13. Review status: criteria provided, single submitter. Criteria: Invitae Variant Classification Sherloc (09022015). Collection method: clinical testing. Allele origin: germline.
Comment: This sequence change replaces cysteine, which is neutral and slightly polar, with tyrosine, which is neutral and polar, at codon 271 of the MC4R protein (p.Cys271Tyr). This variant is not present in population databases (gnomAD no frequency). This missense change has been observed in individual(s) with obesity (PMID: 10903343, 12646665, 29790872). It has also been observed to segregate with disease in related individuals. ClinVar contains an entry for this variant (Variation ID: 14329). Invitae Evidence Modeling of protein sequence and biophysical properties (such as structural, functional, and spatial information, amino acid conservation, physicochemical variation, residue mobility, and thermodynamic stability) has been performed for this missense variant. However, the output from this modeling did not meet the statistical confidence thresholds required to predict the impact of this variant on MC4R protein function. Experimental studies have shown that this missense change affects MC4R function (PMID: 10903343, 12588803, 12646665). For these reasons, this variant has been classified as Pathogenic.

Cambridge Genomics Laboratory, East Genomic Laboratory Hub, NHS Genomic Medicine Service
Classification: Pathogenic for Severe early-onset obesity. Last evaluated: 2025-03-17. Review status: criteria provided, single submitter. Criteria: ACGS Best Practice Guidelines for Variant Classification in Rare Disease 2020. Collection method: clinical testing. Allele origin: germline. Affected: yes.
Comment: PS3,PS4_Moderate,PM2,PP1_Strong,PP3

Blueprint Genetics
Classification: Pathogenic for MC4R-related disorders. Last evaluated: 2024-03-20. Review status: criteria provided, single submitter. Criteria: ACMG Guidelines, 2015. Collection method: clinical testing. Allele origin: germline. Affected: yes. Observed: 2 variant alleles.

Laboratory for Molecular Medicine, Mass General Brigham Personalized Medicine
Classification: Pathogenic for Obesity due to melanocortin 4 receptor deficiency. Last evaluated: 2022-03-01. Review status: criteria provided, single submitter. Criteria: ACMG Guidelines, 2015. Collection method: clinical testing. Allele origin: germline. Inheritance: Autosomal dominant inheritance.
Comment: proposed classification - variant undergoing re-assessment, contact laboratory

Broad Center for Mendelian Genomics, Broad Institute of MIT and Harvard
Classification: Pathogenic for Obesity. Last evaluated: 2020-01-23. Review status: criteria provided, single submitter. Criteria: ACMG Guidelines, 2015. Collection method: curation. Allele origin: germline. Inheritance: Autosomal dominant inheritance.
Comment: The p.Cys271Tyr variant in MC4R has been reported in at least 7 individuals with obesity, segregated with disease in these 7 affected relatives from 1 family (PMID: 12646665), and was absent from large population studies. This variant has also been reported in ClinVar as pathogenic (Variation ID: 14329). In vitro functional studies provide some evidence that the p.Cys271Tyr variant may impact protein function (PMID: 12646665, 12588803). However, these types of assays may not accurately represent biological function. Computational prediction tools and conservation analyses suggest that this variant may impact the protein, though this information is not predictive enough to determine pathogenicity. One additional likely pathogenic variant, resulting in a different amino acid change at the same position, p.Cys271Arg, has been reported in association with disease in the literature and in ClinVar, slightly supporting that a change at this position may not be tolerated (PMID: 14504270, 18559663, 12646665/Variation ID: 372803). In summary, this variant meets criteria to be classified as pathogenic for obesity in an autosomal dominant manner based on the functional evidence resulting in absence of normal MC4R function and the demonstration of the variant cosegregating with disease in a large family. ACMG/AMP Criteria applied: PS3, PP1_strong, PM2, PP3, PM5_supporting (Richards 2015).

HudsonAlpha Institute for Biotechnology
Classification: Pathogenic for Inherited obesity. Last evaluated: 2015-12-10. Review status: criteria provided, single submitter. Criteria: HA_assertions_20150911. Collection method: research. Allele origin: unknown, maternal. Observed: 2 variant alleles. Study: CSER-HudsonAlpha.

Clinical Molecular Genetics Laboratory, Johns Hopkins All Children's Hospital
Classification: Pathogenic for Obesity. Last evaluated: 2013-12-19. Review status: no assertion criteria provided. Collection method: clinical testing. Allele origin: germline. Affected: yes. Not counted in ClinVar's aggregate classification.

OMIM
Classification: Pathogenic for OBESITY (BMIQ20). Last evaluated: 2003-03-20. Review status: no assertion criteria provided. Collection method: literature only. Allele origin: germline. Not counted in ClinVar's aggregate classification.

Literature cited by the submitters: PubMed 10903343 (cited by Labcorp Genetics (formerly Invitae), Labcorp and Laboratory for Molecular Medicine, Mass General Brigham Personalized Medicine); PubMed 12646665 (cited by 4 submitters); PubMed 29790872 (cited by Labcorp Genetics (formerly Invitae), Labcorp); PubMed 12588803 (cited by 4 submitters); PubMed 20826565 (cited by Laboratory for Molecular Medicine, Mass General Brigham Personalized Medicine); PubMed 12959994 (cited by Laboratory for Molecular Medicine, Mass General Brigham Personalized Medicine); PubMed 16752916 (cited by Laboratory for Molecular Medicine, Mass General Brigham Personalized Medicine); PubMed 17628007 (cited by Laboratory for Molecular Medicine, Mass General Brigham Personalized Medicine); PubMed 25332687 (cited by Laboratory for Molecular Medicine, Mass General Brigham Personalized Medicine); PubMed 18801902 (cited by Laboratory for Molecular Medicine, Mass General Brigham Personalized Medicine).

NM_005912.3(MC4R):c.812G>A (p.Cys271Tyr)

Gene: MC4R (melanocortin 4 receptor; minus strand). Cytogenetic location: 18q21.32.
Variant type: single nucleotide variant.
Coding change: c.812G>A on transcript NM_005912.3 (MANE Select); coding-DNA position 812, G replaced by A.
Protein change: p.Cys271Tyr; replaces cysteine 271 with tyrosine.
Molecular consequence: missense variant.
Genome position (GRCh38, 1-based): chr18:60,371,538, C>T on the plus strand (G>A on the coding strand, the complement: MC4R is on the minus strand). VCF-style: chr18-60371538-C-T. GRCh37 (hg19) VCF-style: chr18-58038771-C-T.
Other names: short protein forms C271Y.
Identifiers: ClinVar variation 14329 (VCV000014329.10), dbSNP rs121913562, ClinGen allele CA210718.